The following is an entry in ClinVar:

NM_005477.3(HCN4):c.2143+5G>T

Gene: HCN4 (hyperpolarization activated cyclic nucleotide gated potassium channel 4; minus strand). Cytogenetic location: 15q24.1.
Variant type: single nucleotide variant.
Coding change: c.2143+5G>T on transcript NM_005477.3 (MANE Select); 5 bases into the intron after coding-DNA position 2143, G replaced by T.
Molecular consequence: intron variant.
Genome position (GRCh38, 1-based): chr15:73,324,084, C>A on the plus strand (G>T on the coding strand, the complement: HCN4 is on the minus strand). VCF-style: chr15-73324084-C-A. GRCh37 (hg19) VCF-style: chr15-73616425-C-A.
Identifiers: ClinVar variation 705180 (VCV000705180.15), dbSNP rs547362030, ClinGen allele CA7649117.

ClinVar aggregate classification (germline): Benign/Likely benign. Review status: criteria provided, multiple submitters, no conflicts (2 of 4 stars). 5 submissions from 5 submitters: Benign (1); Likely benign (3). 1 of the submissions does not count toward it. Last evaluated 2025-12-01.

Conditions:
HCN4-related disorder. Also called: HCN4-related condition.
Cardiovascular phenotype. Identifiers: MedGen CN230736.
Brugada syndrome 8 (BRGDA8). Identifiers: Orphanet 130, MedGen C2751083, MONDO:0013148, OMIM 613123.

Allele frequency attached by ClinVar (database versions not stated): 1000 Genomes Project 30x 0.00031.
gnomAD v4.1: 132 of 1,612,880 alleles (0.0082%); highest among the groups gnomAD compares: South Asian, 0.13%; no homozygotes.

Submissions (5):

Labcorp Genetics (formerly Invitae), Labcorp
Classification: Likely benign for Brugada syndrome 8. Last evaluated: 2025-12-01. Review status: criteria provided, single submitter. Criteria: Invitae Variant Classification Sherloc (09022015). Collection method: clinical testing. Allele origin: germline.

Molecular Diagnostic Laboratory for Inherited Cardiovascular Disease, Montreal Heart Institute
Classification: Likely benign. Last evaluated: 2025-04-09. Review status: criteria provided, single submitter. Criteria: ACMG Guidelines, 2015. Collection method: clinical testing. Allele origin: germline. Affected: no.
Comment: PVS1_mod, BS1, BP6

Women's Health and Genetics/Laboratory Corporation of America, LabCorp
Classification: Benign. Last evaluated: 2025-03-25. Review status: criteria provided, single submitter. Criteria: LabCorp Variant Classification Summary - May 2015. Collection method: clinical testing. Allele origin: germline.

Ambry Genetics
Classification: Likely benign for Cardiovascular phenotype. Last evaluated: 2023-02-02. Review status: criteria provided, single submitter. Criteria: Ambry Variant Classification Scheme 2023. Collection method: clinical testing. Allele origin: germline.

PreventionGenetics, part of Exact Sciences
Classification: Likely benign for HCN4-related condition. Last evaluated: 2024-04-30. Review status: no assertion criteria provided. Collection method: clinical testing. Allele origin: germline. Not counted in ClinVar's aggregate classification.
Comment: This variant is classified as likely benign based on ACMG/AMP sequence variant interpretation guidelines (Richards et al. 2015 PMID: 25741868, with internal and published modifications).